The following is an entry in ClinVar:

NM_001001331.4(ATP2B2):c.1997G>A (p.Cys666Tyr)

Gene: ATP2B2 (ATPase plasma membrane Ca2+ transporting 2; minus strand). Cytogenetic location: 3p25.3.
Variant type: single nucleotide variant.
Coding change: c.1997G>A on transcript NM_001001331.4 (MANE Select); coding-DNA position 1997, G replaced by A.
Protein change: p.Cys666Tyr; replaces cysteine 666 with tyrosine.
Molecular consequence: missense variant.
Genome position (GRCh38, 1-based): chr3:10,358,830, C>T on the plus strand (G>A on the coding strand, the complement: ATP2B2 is on the minus strand). VCF-style: chr3-10358830-C-T. GRCh37 (hg19) VCF-style: chr3-10400514-C-T.
Other names: c.1862G>A, p.Cys621Tyr (NM_001330611.3, NM_001353564.1, NM_001363862.1 and 1 more transcripts); short protein forms C621Y, C666Y.
Identifiers: ClinVar variation 3731109 (VCV003731109.1).

ClinVar aggregate classification (germline): Uncertain significance (1 of 4 stars; one submission).

Submission:

GeneDx
Classification: Uncertain significance. Last evaluated: 2024-08-12. Review status: criteria provided, single submitter. Criteria: GeneDx Variant Classification Process June 2021. Collection method: clinical testing. Allele origin: germline. Affected: yes.
Comment: Not observed at significant frequency in large population cohorts (gnomAD); In silico analysis supports that this missense variant has a deleterious effect on protein structure/function; Has not been previously published as pathogenic or benign to our knowledge